The following is an entry in ClinVar:

NM_004990.4(MARS1):c.873C>T (p.Ala291=)

Gene: MARS1 (methionyl-tRNA synthetase 1; plus strand). Cytogenetic location: 12q13.3.
Variant type: single nucleotide variant.
Coding change: c.873C>T on transcript NM_004990.4 (MANE Select); coding-DNA position 873, C replaced by T.
Protein change: p.Ala291=; no amino-acid change (alanine 291 retained).
Molecular consequence: synonymous variant.
Genome position (GRCh38, 1-based): chr12:57,498,259, C>T. VCF-style: chr12-57498259-C-T. GRCh37 (hg19) VCF-style: chr12-57892042-C-T.
Identifiers: ClinVar variation 385405 (VCV000385405.59), dbSNP rs79531790, ClinGen allele CA6650319.

ClinVar aggregate classification (germline): Benign/Likely benign. Review status: criteria provided, multiple submitters, no conflicts (2 of 4 stars). 5 submissions from 5 submitters: Benign (4); Likely benign (1). Last evaluated 2026-01-04.

Conditions:
Charcot-Marie-Tooth disease. Also called: Charcot-Marie-Tooth Hereditary Neuropathy; Charcot-Marie-Tooth Neuropathy. Identifiers: Orphanet 166, MedGen C0007959, MONDO:0015626.
Charcot-Marie-Tooth disease axonal type 2U. Also called: CHARCOT-MARIE-TOOTH NEUROPATHY, TYPE 2U; CHARCOT-MARIE-TOOTH DISEASE, AXONAL, AUTOSOMAL DOMINANT, TYPE 2U. Identifiers: Orphanet 397735, MedGen C4084821, MONDO:0014566, OMIM 616280.
Severe early-onset pulmonary alveolar proteinosis due to MARS deficiency. Also called: PULMONARY ALVEOLAR PROTEINOSIS, REUNION ISLAND; Interstitial lung and liver disease. Identifiers: Orphanet 440427, MedGen C4225400, MONDO:0014206, OMIM 615486.

Allele frequency attached by ClinVar (database versions not stated): 1000 Genomes Project 0.00439; 1000 Genomes Project 30x 0.00453; TOPMed 0.00581; ESP Exome Variant Server 0.00677.
gnomAD v4.1: 1,666 of 1,614,024 alleles (0.1%); highest among the groups gnomAD compares: African/African-American, 1.9%; 15 homozygotes.

Submissions (5):

Labcorp Genetics (formerly Invitae), Labcorp
Classification: Benign for Charcot-Marie-Tooth disease axonal type 2U; Severe early-onset pulmonary alveolar proteinosis due to MARS deficiency. Last evaluated: 2026-01-04. Review status: criteria provided, single submitter. Criteria: Invitae Variant Classification Sherloc (09022015). Collection method: clinical testing. Allele origin: germline.

ARUP Laboratories, Molecular Genetics and Genomics, ARUP Laboratories
Classification: Benign. Last evaluated: 2023-09-22. Review status: criteria provided, single submitter. Criteria: ARUP Molecular Germline Variant Investigation Process 2024. Collection method: clinical testing. Allele origin: germline.

Ambry Genetics
Classification: Likely benign. Last evaluated: 2019-07-11. Review status: criteria provided, single submitter. Criteria: Ambry Variant Classification Scheme 2023. Collection method: clinical testing. Allele origin: germline.

GeneDx
Classification: Benign. Last evaluated: 2016-08-03. Review status: criteria provided, single submitter. Criteria: GeneDx Variant Classification (06012015). Collection method: clinical testing. Allele origin: germline. Affected: yes.
Comment: This variant is considered likely benign or benign based on one or more of the following criteria: it is a conservative change, it occurs at a poorly conserved position in the protein, it is predicted to be benign by multiple in silico algorithms, and/or has population frequency not consistent with disease.

Molecular Genetics Laboratory, London Health Sciences Centre
Classification: Benign for Charcot-Marie-Tooth disease. Review status: criteria provided, single submitter. Criteria: ACMG Guidelines, 2015. Collection method: clinical testing. Allele origin: germline. Affected: yes.